The following is an entry in ClinVar:

NM_032444.4(SLX4):c.1898G>A (p.Gly633Asp)

Gene: SLX4 (SLX4 structure-specific endonuclease subunit; minus strand). Cytogenetic location: 16p13.3.
Variant type: single nucleotide variant.
Coding change: c.1898G>A on transcript NM_032444.4 (MANE Select); coding-DNA position 1898, G replaced by A.
Protein change: p.Gly633Asp; replaces glycine 633 with aspartic acid.
Molecular consequence: missense variant.
Genome position (GRCh38, 1-based): chr16:3,596,179, C>T on the plus strand (G>A on the coding strand, the complement: SLX4 is on the minus strand). VCF-style: chr16-3596179-C-T. GRCh37 (hg19) VCF-style: chr16-3646180-C-T.
Other names: c.1898G>A (LRG_503t1, NM_032444.3); short protein forms G633D.
Identifiers: ClinVar variation 241668 (VCV000241668.25), dbSNP rs1056085, ClinGen allele CA7866386.
Genomic context (GRCh38, chr16:3,596,179, plus strand): 5'-AGGGCTGGCCCTAGAGTCCCACCCAGCATCTCACCTGCAGTCCCTTCCGAGCCAGCCAGG[C>T]CCCCACTGCCGGGCCACGGGCTGGCGCTCAGTCCCTCCCTCGCCAGGTCCACGAGGTCCT-3'
Protein context (NP_115820.2, residues 623-643): LSASPWPGSG[Gly633Asp]LAGSEGTAGL

ClinVar aggregate classification (germline): Benign/Likely benign. Review status: criteria provided, multiple submitters, no conflicts (2 of 4 stars). 8 submissions from 8 submitters: Benign (6); Likely benign (2). Last evaluated 2026-02-02.

Conditions:
Fanconi anemia complementation group P. Also called: SLX4-Related Fanconi Anemia. Identifiers: Orphanet 84, MedGen C3469542, MONDO:0013499, OMIM 613951.
Fanconi anemia (FA). Also called: Fanconi's anemia. Identifiers: Orphanet 84, MedGen C0015625, MeSH D005199, MONDO:0019391.

Allele frequency attached by ClinVar (database versions not stated): ESP Exome Variant Server 0.00738; 1000 Genomes Project 0.00759; gnomAD 0.00810; 1000 Genomes Project 30x 0.00828; TOPMed 0.01033.
gnomAD v4.1: 2,508 of 1,551,708 alleles (0.16%); highest among the groups gnomAD compares: African/African-American, 3%; 34 homozygotes.

Submissions (8):

Labcorp Genetics (formerly Invitae), Labcorp
Classification: Benign for Fanconi anemia. Last evaluated: 2026-02-02. Review status: criteria provided, single submitter. Criteria: Invitae Variant Classification Sherloc (09022015). Collection method: clinical testing. Allele origin: germline.

ARUP Laboratories, Molecular Genetics and Genomics, ARUP Laboratories
Classification: Benign for Fanconi anemia complementation group P. Last evaluated: 2024-10-10. Review status: criteria provided, single submitter. Criteria: ARUP Molecular Germline Variant Investigation Process 2024. Collection method: clinical testing. Allele origin: germline.

KCCC/NGS Laboratory, Kuwait Cancer Control Center
Classification: Benign for Fanconi anemia complementation group P. Last evaluated: 2023-07-07. Review status: criteria provided, single submitter. Criteria: ACMG Guidelines, 2015. Collection method: clinical testing. Allele origin: germline. Affected: yes.

GeneDx
Classification: Likely benign. Last evaluated: 2020-11-24. Review status: criteria provided, single submitter. Criteria: GeneDx Variant Classification Process June 2021. Collection method: clinical testing. Allele origin: germline. Affected: yes.

Genetic Services Laboratory, University of Chicago
Classification: Benign. Last evaluated: 2020-10-07. Review status: criteria provided, single submitter. Criteria: ACMG Guidelines, 2015. Collection method: clinical testing. Allele origin: germline. Affected: no.

Sema4
Classification: Benign for Fanconi anemia. Last evaluated: 2020-04-28. Review status: criteria provided, single submitter. Criteria: Sema4 Curation Guidelines. Collection method: curation. Allele origin: germline.

Illumina Laboratory Services, Illumina
Classification: Benign for Fanconi anemia complementation group P. Last evaluated: 2018-01-13. Review status: criteria provided, single submitter. Criteria: ICSL Variant Classification Criteria 13 December 2019. Collection method: clinical testing. Allele origin: germline.
Comment: This variant was observed in the ICSL laboratory as part of a predisposition screen in an ostensibly healthy population. It had not been previously curated by ICSL or reported in the Human Gene Mutation Database (HGMD: prior to June 1st, 2018), and was therefore a candidate for classification through an automated scoring system. Utilizing variant allele frequency, disease prevalence and penetrance estimates, and inheritance mode, an automated score was calculated to assess if this variant is too frequent to cause the disease. Based on the score and internal cut-off values, a variant classified as benign is not then subjected to further curation. The score for this variant resulted in a classification of benign for this disease.

Breakthrough Genomics
Classification: Likely benign. Review status: criteria provided, single submitter. Criteria: ACMG Guidelines, 2015. Collection method: not provided. Allele origin: germline. Inheritance: Autosomal recessive inheritance. Affected: yes.